The following is an entry in ClinVar:

ClinVar aggregate classification (germline): Likely benign. Review status: criteria provided, multiple submitters, no conflicts (2 of 4 stars). 2 submissions from 2 submitters: Likely benign (2). Last evaluated 2018-06-14.

Allele frequency attached by ClinVar (database versions not stated): 1000 Genomes Project 0.00579; gnomAD 0.00812; TOPMed 0.00865; 1000 Genomes Project 30x 0.00531; ESP Exome Variant Server 0.01248.
gnomAD v4.1: 19,037 of 1,613,914 alleles (1.2%); highest among the groups gnomAD compares: Non-Finnish European, 1.3%; 156 homozygotes.

Submissions (2):

GeneDx
Classification: Likely benign. Last evaluated: 2018-06-14. Review status: criteria provided, single submitter. Criteria: GeneDx Variant Classification (06012015). Collection method: clinical testing. Allele origin: germline. Affected: yes.
Comment: This variant is considered likely benign or benign based on one or more of the following criteria: it is a conservative change, it occurs at a poorly conserved position in the protein, it is predicted to be benign by multiple in silico algorithms, and/or has population frequency not consistent with disease.

Breakthrough Genomics
Classification: Likely benign. Review status: criteria provided, single submitter. Criteria: ACMG Guidelines, 2015. Collection method: not provided. Allele origin: germline. Inheritance: Autosomal recessive inheritance. Affected: yes.

NM_153676.4(USH1C):c.820-59C>T

Gene: USH1C (USH1 protein network component harmonin; minus strand). Cytogenetic location: 11p15.1.
Variant type: single nucleotide variant.
Coding change: c.820-59C>T on transcript NM_153676.4 (MANE Select); 59 bases into the intron before coding-DNA position 820, C replaced by T.
Molecular consequence: intron variant.
Genome position (GRCh38, 1-based): chr11:17,523,326, G>A on the plus strand (C>T on the coding strand, the complement: USH1C is on the minus strand). VCF-style: chr11-17523326-G-A. GRCh37 (hg19) VCF-style: chr11-17544873-G-A.
Other names: c.819+93C>T (NM_001297764.2); c.820-59C>T (NM_005709.4).
Identifiers: ClinVar variation 677493 (VCV000677493.2), dbSNP rs148317033, ClinGen allele CA218458891.